The following is an entry in ClinVar:

ClinVar aggregate classification (germline): Uncertain significance (1 of 4 stars; one submission).

Conditions:
Cardiovascular phenotype. Identifiers: MedGen CN230736.

Submission:

Ambry Genetics
Classification: Uncertain significance for Cardiovascular phenotype. Last evaluated: 2024-12-13. Review status: criteria provided, single submitter. Criteria: Ambry Variant Classification Scheme 2023. Collection method: clinical testing. Allele origin: germline.
Comment: The c.1463delA variant, located in coding exon 23 of the TRDN gene, results from a deletion of one nucleotide at nucleotide position 1463, causing a translational frameshift with a predicted alternate stop codon (p.K488Rfs*58). This alteration is expected to result in loss of function by premature protein truncation or nonsense-mediated mRNA decay. However, this alteration does not impact the predominant cardiac isoform ofTRDN(NM_001256021.1; Kobayashi YM et al. J. Biol. Chem., 1999 Oct;274:28660-8). Since supporting evidence is limited at this time, the clinical significance of this alteration remains unclear.

NM_006073.4(TRDN):c.1463del (p.Lys488fs)

Gene: TRDN (triadin; minus strand). Cytogenetic location: 6q22.31.
Variant type: Deletion.
Coding change: c.1463del on transcript NM_006073.4 (MANE Select); coding-DNA position 1463, one base deleted (A; older notation c.1463delA).
Protein change: p.Lys488fs; shifts the reading frame from lysine 488.
Molecular consequence: frameshift variant.
Genome position (GRCh38, 1-based): chr6:123,331,887, T deleted on the plus strand (A on the coding strand, the reverse complement: TRDN is on the minus strand); the first of 3 consecutive T bases (chr6:123,331,887-123,331,889); deleting any one gives the same sequence. VCF-style (leftmost placement, unchanged base first): chr6-123331886-CT-C. GRCh37 (hg19) VCF-style: chr6-123653031-CT-C.
Other names: short protein forms K488fs.
Identifiers: ClinVar variation 3810170 (VCV003810170.1).